The following is an entry in ClinVar:

NM_004336.5(BUB1):c.205A>T (p.Ile69Phe)

Gene: BUB1 (BUB1 mitotic checkpoint serine/threonine kinase; minus strand). Cytogenetic location: 2q13.
Variant type: single nucleotide variant.
Coding change: c.205A>T on transcript NM_004336.5 (MANE Select); coding-DNA position 205, A replaced by T.
Protein change: p.Ile69Phe; replaces isoleucine 69 with phenylalanine.
Molecular consequence: missense variant.
Genome position (GRCh38, 1-based): chr2:110,674,106, T>A on the plus strand (A>T on the coding strand, the complement: BUB1 is on the minus strand). VCF-style: chr2-110674106-T-A. GRCh37 (hg19) VCF-style: chr2-111431683-T-A.
Other names: c.145A>T, p.Ile49Phe (NM_001278616.2); c.205A>T, p.Ile69Phe (NM_001278617.2); short protein forms I49F, I69F.
Identifiers: ClinVar variation 1785187 (VCV001785187.5), dbSNP rs780901314, ClinGen allele CA348221092.

ClinVar aggregate classification (germline): Uncertain significance. Review status: criteria provided, multiple submitters, no conflicts (2 of 4 stars). 2 submissions from 2 submitters: Uncertain significance (2). Last evaluated 2024-12-26.

Allele frequency attached by ClinVar (database versions not stated): TOPMed below 0.00001; gnomAD 0.00001.
gnomAD v4.1: 1 of 1,531,776 alleles (0.000065%); highest among the groups gnomAD compares: Non-Finnish European, 0.00009%; no homozygotes.

Submissions (2):

Labcorp Genetics (formerly Invitae), Labcorp
Classification: Uncertain significance. Last evaluated: 2024-12-26. Review status: criteria provided, single submitter. Criteria: Invitae Variant Classification Sherloc (09022015). Collection method: clinical testing. Allele origin: germline.
Comment: This sequence change replaces isoleucine, which is neutral and non-polar, with phenylalanine, which is neutral and non-polar, at codon 69 of the BUB1 protein (p.Ile69Phe). This variant is not present in population databases (gnomAD no frequency). This variant has not been reported in the literature in individuals affected with BUB1-related conditions. ClinVar contains an entry for this variant (Variation ID: 1785187). Experimental studies and prediction algorithms are not available or were not evaluated, and the functional significance of this variant is currently unknown. In summary, the available evidence is currently insufficient to determine the role of this variant in disease. Therefore, it has been classified as a Variant of Uncertain Significance.

Ambry Genetics
Classification: Uncertain significance. Last evaluated: 2022-04-19. Review status: criteria provided, single submitter. Criteria: Ambry Variant Classification Scheme 2023. Collection method: clinical testing. Allele origin: germline.
Comment: The p.I69F variant (also known as c.205A>T), located in coding exon 3 of the BUB1 gene, results from an A to T substitution at nucleotide position 205. The isoleucine at codon 69 is replaced by phenylalanine, an amino acid with highly similar properties. This amino acid position is conserved. In addition, the in silico prediction for this alteration is inconclusive. Since supporting evidence is limited at this time, the clinical significance of this alteration remains unclear.